The following is an entry in ClinVar:

ClinVar aggregate classification (germline): Uncertain significance (1 of 4 stars; one submission).

Allele frequency attached by ClinVar (database versions not stated): gnomAD 0.00001; ESP Exome Variant Server 0.00008; TOPMed 0.00002.
gnomAD v4.1: 3 of 1,613,584 alleles (0.00019%); highest among the groups gnomAD compares: African/African-American, 0.004%; no homozygotes.

Submission:

GeneDx
Classification: Uncertain significance. Last evaluated: 2019-09-18. Review status: criteria provided, single submitter. Criteria: GeneDx Variant Classification Process June 2021. Collection method: clinical testing. Allele origin: germline. Affected: yes.
Comment: Not observed at a significant frequency in large population cohorts (Lek et al., 2016); In silico analysis, which includes protein predictors and evolutionary conservation, supports a deleterious effect; Has not been previously published as pathogenic or benign to our knowledge

NM_016156.6(MTMR2):c.1277A>T (p.Gln426Leu)

Gene: MTMR2 (myotubularin related protein 2; minus strand). Cytogenetic location: 11q21.
Variant type: single nucleotide variant.
Coding change: c.1277A>T on transcript NM_016156.6 (MANE Select); coding-DNA position 1277, A replaced by T.
Protein change: p.Gln426Leu; replaces glutamine 426 with leucine.
Molecular consequence: missense variant.
Genome position (GRCh38, 1-based): chr11:95,845,062, T>A on the plus strand (A>T on the coding strand, the complement: MTMR2 is on the minus strand). VCF-style: chr11-95845062-T-A. GRCh37 (hg19) VCF-style: chr11-95578226-T-A.
Other names: c.1061A>T, p.Gln354Leu (NM_001243571.2, NM_201278.3, NM_201281.3); short protein forms Q354L, Q426L.
Identifiers: ClinVar variation 1308706 (VCV001308706.2), dbSNP rs377452665, ClinGen allele CA6240036.
Genomic context (GRCh38, chr11:95,845,062, plus strand): 5'-TCAAATCCTCGGATGGTTCGATAGTATCCATCCAACATGAGCATGGCAAGGGAAGTGAGC[T>A]GAGCTGTGCGATCCCAACCATCACTGCAATGCACTACCACAGACGTCTTCCCTGACTCTA-3'
Protein context (NP_057240.3, residues 416-436): HCSDGWDRTA[Gln426Leu]LTSLAMLMLD